The following is an entry in ClinVar:

NM_003245.4(TGM3):c.978C>T (p.Ser326=)

Gene: TGM3 (transglutaminase 3; plus strand). Cytogenetic location: 20p13.
Variant type: single nucleotide variant.
Coding change: c.978C>T on transcript NM_003245.4 (MANE Select); coding-DNA position 978, C replaced by T.
Protein change: p.Ser326=; no amino-acid change (serine 326 retained).
Molecular consequence: synonymous variant.
Genome position (GRCh38, 1-based): chr20:2,317,480, C>T. VCF-style: chr20-2317480-C-T. GRCh37 (hg19) VCF-style: chr20-2298126-C-T.
Identifiers: ClinVar variation 4979372 (VCV004979372.1).

ClinVar aggregate classification (germline): Likely benign (1 of 4 stars; one submission).

Conditions:
TGM3-related disorder. Also called: TGM3-related condition.

gnomAD v4.1: 31 of 1,614,076 alleles (0.0019%); highest among the groups gnomAD compares: African/African-American, 0.004%; no homozygotes.

Submission:

PreventionGenetics, part of Exact Sciences
Classification: Likely benign for TGM3-related condition. Last evaluated: 2026-05-01. Review status: criteria provided, single submitter. Criteria: ACMG Guidelines, 2015. Collection method: clinical testing. Allele origin: germline.
Comment: This variant is classified as likely benign based on ACMG/AMP sequence variant interpretation guidelines (Richards et al. 2015 PMID: 25741868, with internal and published modifications).